The following is an entry in ClinVar:

NM_016203.4(PRKAG2):c.719C>T (p.Ala240Val)

Genes: PRKAG2 (protein kinase AMP-activated non-catalytic subunit gamma 2; minus strand), LOC129999660 (ATAC-STARR-seq lymphoblastoid silent region 18823; plus strand). Cytogenetic location: 7q36.1.
Variant type: single nucleotide variant.
Coding change: c.719C>T on transcript NM_016203.4 (MANE Select); coding-DNA position 719, C replaced by T.
Protein change: p.Ala240Val; replaces alanine 240 with valine.
Molecular consequence: missense variant. On other transcripts: 5 prime UTR variant (2).
Genome position (GRCh38, 1-based): chr7:151,632,104, G>A on the plus strand (C>T on the coding strand, the complement: PRKAG2 is on the minus strand). VCF-style: chr7-151632104-G-A. GRCh37 (hg19) VCF-style: chr7-151329190-G-A.
Other names: c.587C>T, p.Ala196Val (NM_001040633.2); c.347C>T, p.Ala116Val (NM_001304527.2, NM_001363698.2); c.-5C>T (NM_001304531.2, NM_024429.2); short protein forms A240V, A116V, A196V.
Identifiers: ClinVar variation 951988 (VCV000951988.7), dbSNP rs1824657994, ClinGen allele CA370071271.

ClinVar aggregate classification (germline): Uncertain significance (1 of 4 stars; one submission).

Conditions:
Lethal congenital glycogen storage disease of heart. Also called: GLYCOGEN STORAGE DISEASE OF HEART; PHOSPHORYLASE KINASE DEFICIENCY OF HEART. Identifiers: Orphanet 439854, MedGen C1849813, MONDO:0009867, OMIM 261740.

Submission:

Labcorp Genetics (formerly Invitae), Labcorp
Classification: Uncertain significance for Lethal congenital glycogen storage disease of heart. Last evaluated: 2021-08-31. Review status: criteria provided, single submitter. Criteria: Invitae Variant Classification Sherloc (09022015). Collection method: clinical testing. Allele origin: germline.
Comment: This sequence change replaces alanine with valine at codon 240 of the PRKAG2 protein (p.Ala240Val). The alanine residue is weakly conserved and there is a small physicochemical difference between alanine and valine. This variant is not present in population databases (ExAC no frequency). This variant has not been reported in the literature in individuals affected with PRKAG2-related conditions. Algorithms developed to predict the effect of missense changes on protein structure and function output the following: SIFT: "Tolerated"; PolyPhen-2: "Benign"; Align-GVGD: "Class C0". The valine amino acid residue is found in multiple mammalian species, which suggests that this missense change does not adversely affect protein function. In summary, the available evidence is currently insufficient to determine the role of this variant in disease. Therefore, it has been classified as a Variant of Uncertain Significance.